The following is an entry in ClinVar:

ClinVar aggregate classification (germline): Likely benign (0 of 4 stars; one submission).

Conditions:
DST-related disorder. Also called: DST-related condition; DST-related disorders.

Allele frequency attached by ClinVar (database versions not stated): gnomAD exomes below 0.00001; ExAC 0.00001.
gnomAD v4.1: 1 of 1,613,928 alleles (0.000062%); highest among the groups gnomAD compares: Non-Finnish European, 0.000085%; no homozygotes.

Submission:

PreventionGenetics, part of Exact Sciences
Classification: Likely benign for DST-related condition. Last evaluated: 2023-05-20. Review status: no assertion criteria provided. Collection method: clinical testing. Allele origin: germline.
Comment: This variant is classified as likely benign based on ACMG/AMP sequence variant interpretation guidelines (Richards et al. 2015 PMID: 25741868, with internal and published modifications).

NM_001374736.1(DST):c.3096A>G (p.Leu1032=)

Gene: DST (dystonin; minus strand). Cytogenetic location: 6p12.1.
Variant type: single nucleotide variant.
Coding change: c.3096A>G on transcript NM_001374736.1 (MANE Select); coding-DNA position 3096, A replaced by G.
Protein change: p.Leu1032=; no amino-acid change (leucine 1032 retained).
Molecular consequence: synonymous variant.
Genome position (GRCh38, 1-based): chr6:56,635,679, T>C on the plus strand (A>G on the coding strand, the complement: DST is on the minus strand). VCF-style: chr6-56635679-T-C. GRCh37 (hg19) VCF-style: chr6-56500477-T-C.
Other names: c.2997A>G, p.Leu999= (NM_001144769.5); c.2583A>G, p.Leu861= (NM_001144770.2); c.3096A>G, p.Leu1032= (NM_001374722.1); c.2463A>G, p.Leu821= (NM_001374729.1, NM_001374730.1, NM_001386100.1 and 1 more transcripts); c.3123A>G, p.Leu1041= (NM_001374734.1); c.1485A>G, p.Leu495= (NM_001723.7, NM_015548.5).
Identifiers: ClinVar variation 3048402 (VCV003048402.2), dbSNP rs767376487, ClinGen allele CA3871233.